The following is an entry in ClinVar:

ClinVar aggregate classification (germline): Pathogenic (1 of 4 stars; one submission).

Conditions:
Primary ciliary dyskinesia. Also called: Ciliary dyskinesia. Identifiers: Orphanet 244, MedGen C0008780, MONDO:0016575, HP:0012265.

Submission:

Labcorp Genetics (formerly Invitae), Labcorp
Classification: Pathogenic for Primary ciliary dyskinesia. Last evaluated: 2022-03-27. Review status: criteria provided, single submitter. Criteria: Invitae Variant Classification Sherloc (09022015). Collection method: clinical testing. Allele origin: germline.
Comment: For these reasons, this variant has been classified as Pathogenic. This sequence change creates a premature translational stop signal (p.Asn3361Thrfs*18) in the DNAH5 gene. It is expected to result in an absent or disrupted protein product. Loss-of-function variants in DNAH5 are known to be pathogenic (PMID: 11788826, 16627867). This variant is present in population databases (rs750785582, gnomAD 0.0009%). This variant has not been reported in the literature in individuals affected with DNAH5-related conditions.

Literature cited by the submitters: PubMed 11788826; PubMed 16627867.

NM_001369.3(DNAH5):c.10080del (p.Asn3361fs)

Gene: DNAH5 (dynein axonemal heavy chain 5; minus strand). Cytogenetic location: 5p15.2.
Variant type: Deletion.
Coding change: c.10080del on transcript NM_001369.3 (MANE Select); coding-DNA position 10080, one base deleted (G; older notation c.10080delG).
Protein change: p.Asn3361fs; shifts the reading frame from asparagine 3361.
Molecular consequence: frameshift variant.
Genome position (GRCh38, 1-based): chr5:13,765,997, C deleted on the plus strand (G on the coding strand, the reverse complement: DNAH5 is on the minus strand); the first of 3 consecutive C bases (chr5:13,765,997-13,765,999); deleting any one gives the same sequence. VCF-style (leftmost placement, unchanged base first): chr5-13765996-TC-T. GRCh37 (hg19) VCF-style: chr5-13766105-TC-T.
Other names: short protein forms N3361fs.
Identifiers: ClinVar variation 2114388 (VCV002114388.4), dbSNP rs750785582, ClinGen allele CA3202337.